The following is an entry in ClinVar:

ClinVar aggregate classification (germline): Uncertain significance (1 of 4 stars; one submission).

Allele frequency attached by ClinVar (database versions not stated): gnomAD exomes below 0.00001; gnomAD 0.00001.
gnomAD v4.1: 3 of 1,613,686 alleles (0.00019%); highest among the groups gnomAD compares: Non-Finnish European, 0.00025%; no homozygotes.

Submission:

Ambry Genetics
Classification: Uncertain significance. Last evaluated: 2023-09-25. Review status: criteria provided, single submitter. Criteria: Ambry Variant Classification Scheme 2023. Collection method: clinical testing. Allele origin: germline.
Comment: The p.S726N variant (also known as c.2177G>A), located in coding exon 18 of the BUB1 gene, results from a G to A substitution at nucleotide position 2177. The serine at codon 726 is replaced by asparagine, an amino acid with highly similar properties. This amino acid position is conserved. In addition, this alteration is predicted to be tolerated by in silico analysis. Since supporting evidence is limited at this time, the clinical significance of this alteration remains unclear.

NM_004336.5(BUB1):c.2177G>A (p.Ser726Asn)

Gene: BUB1 (BUB1 mitotic checkpoint serine/threonine kinase; minus strand). Cytogenetic location: 2q13.
Variant type: single nucleotide variant.
Coding change: c.2177G>A on transcript NM_004336.5 (MANE Select); coding-DNA position 2177, G replaced by A.
Protein change: p.Ser726Asn; replaces serine 726 with asparagine.
Molecular consequence: missense variant.
Genome position (GRCh38, 1-based): chr2:110,650,572, C>T on the plus strand (G>A on the coding strand, the complement: BUB1 is on the minus strand). VCF-style: chr2-110650572-C-T. GRCh37 (hg19) VCF-style: chr2-111408149-C-T.
Other names: c.2117G>A, p.Ser706Asn (NM_001278616.2); c.2177G>A, p.Ser726Asn (NM_001278617.2); short protein forms S726N, S706N.
Identifiers: ClinVar variation 1787202 (VCV001787202.2), dbSNP rs1689757511, ClinGen allele CA348209727.